The following is an entry in ClinVar:

ClinVar aggregate classification (germline): Conflicting classifications of pathogenicity. Review status: criteria provided, conflicting classifications (1 of 4 stars). 6 submissions from 6 submitters: Likely pathogenic (3); Uncertain significance (3). Last evaluated 2026-08-01.

Conditions:
Familial isolated arrhythmogenic right ventricular dysplasia. Identifiers: Orphanet 217656, MedGen C4274968, MONDO:0016342.
Cardiovascular phenotype. Identifiers: MedGen CN230736.
Cardiomyopathy (CMYO). Also called: Cardiomyopathies. Identifiers: Orphanet 167848, MedGen C0878544, MONDO:0004994, HP:0001638. Inheritance: Various modes of inheritance.

Allele frequency attached by ClinVar (database versions not stated): gnomAD 0.00002; gnomAD exomes below 0.00001; TOPMed 0.00002.
gnomAD v4.1: 28 of 1,613,956 alleles (0.0017%); highest among the groups gnomAD compares: Non-Finnish European, 0.002%; no homozygotes.

Submissions (6):

CeGaT Center for Human Genetics Tuebingen
Classification: Likely pathogenic. Last evaluated: 2026-08-01. Review status: criteria provided, single submitter. Criteria: CeGaT Center For Human Genetics Tuebingen Variant Classification Criteria Version 2. Collection method: clinical testing. Allele origin: germline. Affected: yes. Observed: 1 variant allele.
Comment: DSC2: PVS1, PM2:Supporting

GeneDx
Classification: Likely pathogenic. Last evaluated: 2026-02-09. Review status: criteria provided, single submitter. Criteria: GeneDx Variant Classification Process June 2021. Collection method: clinical testing. Allele origin: germline.
Comment: Reported in two patients referred for arrhythmogenic right ventricular cardiomyopathy (ARVC) genetic testing; however, detailed clinical information was not provided (PMID: 27532257); Not observed at significant frequency in large population cohorts (gnomAD); Nonsense variant predicted to result in protein truncation or nonsense mediated decay in a gene for which loss of function is a known mechanism of disease; This variant is associated with the following publications: (PMID: 31402444, 27532257)

Ambry Genetics
Classification: Likely pathogenic for Cardiovascular phenotype. Last evaluated: 2026-01-30. Review status: criteria provided, single submitter. Criteria: Ambry Variant Classification Scheme 2023. Collection method: clinical testing. Allele origin: germline.
Comment: The c.1938T>G (p.Y646*) alteration, located in exon 13 (coding exon 13) of the DSC2 gene, consists of a T to G substitution at nucleotide position 1938. This changes the amino acid from a tyrosine (Y) to a stop codon at amino acid position 646. This variant is expected to result in loss of function by premature protein truncation or nonsense-mediated mRNA decay. Based on data from gnomAD, the G allele has an overall frequency of 0.001% (2/282132) total alleles studied. The highest observed frequency was 0.002% (2/128612) of European (non-Finnish) alleles. This variant was reported in individual(s) with features consistent with arrhythmogenic right ventricular cardiomyopathy (Walsh, 2017). Based on the available evidence, this alteration is classified as likely pathogenic.

Color Diagnostics, LLC DBA Color Health
Classification: Uncertain significance for Cardiomyopathy. Last evaluated: 2025-10-21. Review status: criteria provided, single submitter. Criteria: ACMG Guidelines, 2015. Collection method: clinical testing. Allele origin: germline.
Comment: This variant changes 1 nucleotide in exon 13 of the DSC2 gene, creating a premature translation stop signal. This variant is expected to result in an absent or non-functional protein product. This variant has been reported in two individuals affected with arrhythmogenic right ventricular cardiomyopathy (PMID: 27532257). This variant has been identified in 28/1613956 chromosomes in the general population by the Genome Aggregation Database (gnomAD). The role of loss-of-function DSC2 truncation variants in autosomal dominant cardiovascular disorders is not clearly understood. The available evidence is insufficient to determine the role of this variant in disease conclusively. Therefore, this variant is classified as a Variant of Uncertain Significance.

All of Us Research Program, National Institutes of Health
Classification: Uncertain significance for Familial isolated arrhythmogenic right ventricular dysplasia. Last evaluated: 2024-08-06. Review status: criteria provided, single submitter. Criteria: ACMG Guidelines, 2015. Collection method: clinical testing. Allele origin: germline. Inheritance: Autosomal dominant inheritance. Observed: 1 variant allele, 1 heterozygote.
Comment: This variant changes 1 nucleotide in exon 13 of the DSC2 gene, creating a premature translation stop signal. This variant is expected to result in an absent or non-functional protein product. Splice site prediction tools suggest that this variant may not impact RNA splicing. To our knowledge, functional studies have not been performed for this variant. This variant has been reported in two individuals affected with arrhythmogenic right ventricular cardiomyopathy (PMID: 27532257). This variant has been identified in 2/282132 chromosomes in the general population by the Genome Aggregation Database (gnomAD). Clinical significance of loss-of-function variants in the DSC2 gene is not clearly established. The available evidence is insufficient to determine the role of this variant in disease conclusively. Therefore, this variant is classified as a Variant of Uncertain Significance.

This study involves interpretation of variants in research participants for the purpose of population health screening. Participant phenotype was not available at the time of variant classification. Additional details can be found in publication PMID: 35346344, PMCID: PMC8962531

Laboratory for Molecular Medicine, Mass General Brigham Personalized Medicine
Classification: Uncertain significance. Last evaluated: 2018-02-02. Review status: criteria provided, single submitter. Criteria: LMM Criteria. Collection method: clinical testing. Allele origin: germline. Observed: 3 variant alleles.
Comment: proposed classification - variant undergoing re-assessment, contact laboratory

Literature cited by the submitters: PubMed 27532257 (cited by 4 submitters).

NM_024422.6(DSC2):c.1938T>G (p.Tyr646Ter)

Gene: DSC2 (desmocollin 2; minus strand). Cytogenetic location: 18q12.1.
Variant type: single nucleotide variant.
Coding change: c.1938T>G on transcript NM_024422.6 (MANE Select); coding-DNA position 1938, T replaced by G.
Protein change: p.Tyr646Ter; replaces tyrosine 646 with a stop codon.
Molecular consequence: nonsense.
Genome position (GRCh38, 1-based): chr18:31,071,792, A>C on the plus strand (T>G on the coding strand, the complement: DSC2 is on the minus strand). VCF-style: chr18-31071792-A-C. GRCh37 (hg19) VCF-style: chr18-28651758-A-C.
Other names: c.1938T>G, p.Tyr646Ter (NM_004949.5); short protein forms Y646*.
Identifiers: ClinVar variation 46174 (VCV000046174.13), dbSNP rs397517395, ClinGen allele CA022592.